The following is an entry in ClinVar:

ClinVar aggregate classification (germline): Uncertain significance (1 of 4 stars; one submission).

Conditions:
Familial melanoma. Also called: Hereditary melanoma; Hereditary cutaneous melanoma. Identifiers: Orphanet 618, MedGen C1512419, MONDO:0018961.

Submission:

Labcorp Genetics (formerly Invitae), Labcorp
Classification: Uncertain significance for Familial melanoma. Last evaluated: 2023-05-27. Review status: criteria provided, single submitter. Criteria: Invitae Variant Classification Sherloc (09022015). Collection method: clinical testing. Allele origin: germline.
Comment: This sequence change replaces proline, which is neutral and non-polar, with threonine, which is neutral and polar, at codon 194 of the CDK4 protein (p.Pro194Thr). This variant is not present in population databases (gnomAD no frequency). This variant has not been reported in the literature in individuals affected with CDK4-related conditions. Advanced modeling of protein sequence and biophysical properties (such as structural, functional, and spatial information, amino acid conservation, physicochemical variation, residue mobility, and thermodynamic stability) performed at Invitae indicates that this missense variant is not expected to disrupt CDK4 protein function. In summary, the available evidence is currently insufficient to determine the role of this variant in disease. Therefore, it has been classified as a Variant of Uncertain Significance.

NM_000075.4(CDK4):c.580C>A (p.Pro194Thr)

Gene: CDK4 (cyclin dependent kinase 4; minus strand). Cytogenetic location: 12q14.1.
Variant type: single nucleotide variant.
Coding change: c.580C>A on transcript NM_000075.4 (MANE Select); coding-DNA position 580, C replaced by A.
Protein change: p.Pro194Thr; replaces proline 194 with threonine.
Molecular consequence: missense variant.
Genome position (GRCh38, 1-based): chr12:57,750,708, G>T on the plus strand (C>A on the coding strand, the complement: CDK4 is on the minus strand). VCF-style: chr12-57750708-G-T. GRCh37 (hg19) VCF-style: chr12-58144491-G-T.
Other names: short protein forms P194T.
Identifiers: ClinVar variation 2734051 (VCV002734051.3), dbSNP rs1264069202, ClinGen allele CA385545796.